The following is an entry in ClinVar:

ClinVar aggregate classification (germline): Uncertain significance (1 of 4 stars; one submission).

Conditions:
Congenital disorder of glycosylation, type Iaa. Also called: Congenital disorder of glycosylation, type 1aa. Identifiers: MedGen C4310727, MONDO:0014904, OMIM 617082.

Submission:

Labcorp Genetics (formerly Invitae), Labcorp
Classification: Uncertain significance for Congenital disorder of glycosylation, type Iaa. Last evaluated: 2025-01-11. Review status: criteria provided, single submitter. Criteria: Invitae Variant Classification Sherloc (09022015). Collection method: clinical testing. Allele origin: germline.
Comment: This sequence change replaces aspartic acid, which is acidic and polar, with asparagine, which is neutral and polar, at codon 90 of the NUS1 protein (p.Asp90Asn). This variant is not present in population databases (gnomAD no frequency). This variant has not been reported in the literature in individuals affected with NUS1-related conditions. An algorithm developed to predict the effect of missense changes on protein structure and function (PolyPhen-2) suggests that this variant is likely to be disruptive. In summary, the available evidence is currently insufficient to determine the role of this variant in disease. Therefore, it has been classified as a Variant of Uncertain Significance.

NM_138459.5(NUS1):c.268G>A (p.Asp90Asn)

Gene: NUS1 (NUS1 dehydrodolichyl diphosphate synthase subunit; plus strand). Cytogenetic location: 6q22.1.
Variant type: single nucleotide variant.
Coding change: c.268G>A on transcript NM_138459.5 (MANE Select); coding-DNA position 268, G replaced by A.
Protein change: p.Asp90Asn; replaces aspartic acid 90 with asparagine.
Molecular consequence: missense variant.
Genome position (GRCh38, 1-based): chr6:117,675,938, G>A. VCF-style: chr6-117675938-G-A. GRCh37 (hg19) VCF-style: chr6-117997101-G-A.
Other names: short protein forms D90N.
Identifiers: ClinVar variation 3696682 (VCV003696682.2).